The following is an entry in ClinVar:

ClinVar aggregate classification (germline): Uncertain significance. Review status: criteria provided, multiple submitters, no conflicts (2 of 4 stars). 4 submissions from 4 submitters: Uncertain significance (4). Last evaluated 2026-09-24.

Conditions:
Hypophosphatemic nephrolithiasis/osteoporosis 1. Identifiers: Orphanet 244305, MedGen C2676786, MONDO:0012850, OMIM 612286.
Fanconi renotubular syndrome 2 (FRTS2). Identifiers: MedGen C3150652, MONDO:0013247, OMIM 613388.
Hypercalcemia, infantile, 2 (HCINF2). Identifiers: Orphanet 300547, MedGen C4310473, MONDO:0014851, OMIM 616963.
Inborn genetic diseases. Identifiers: MedGen C0950123, MeSH D030342.

Allele frequency attached by ClinVar (database versions not stated): gnomAD exomes 0.00003 and 0.00005; gnomAD 0.00004 and 0.00005; TOPMed 0.00003; ESP Exome Variant Server 0.00008; ExAC 0.00005.

Submissions (4):

GeneDx
Classification: Uncertain significance. Last evaluated: 2026-09-24. Review status: criteria provided, single submitter. Criteria: GeneDx Variant Classification Process June 2021. Collection method: clinical testing. Allele origin: germline.
Comment: In silico analysis suggests that this missense variant does not alter protein structure/function; Has not been previously published as pathogenic or benign to our knowledge

Ambry Genetics
Classification: Uncertain significance for Inborn genetic diseases. Last evaluated: 2024-10-21. Review status: criteria provided, single submitter. Criteria: Ambry Variant Classification Scheme 2023. Collection method: clinical testing. Allele origin: germline.

Fulgent Genetics
Classification: Uncertain significance for Hypophosphatemic nephrolithiasis/osteoporosis 1; Fanconi renotubular syndrome 2; Hypercalcemia, infantile, 2. Last evaluated: 2024-01-09. Review status: criteria provided, single submitter. Criteria: ACMG Guidelines, 2015. Collection method: clinical testing. Allele origin: germline.

Labcorp Genetics (formerly Invitae), Labcorp
Classification: Uncertain significance. Last evaluated: 2021-09-18. Review status: criteria provided, single submitter. Criteria: Invitae Variant Classification Sherloc (09022015). Collection method: clinical testing. Allele origin: germline.
Comment: In summary, the available evidence is currently insufficient to determine the role of this variant in disease. Therefore, it has been classified as a Variant of Uncertain Significance. This sequence change replaces methionine with isoleucine at codon 24 of the SLC34A1 protein (p.Met24Ile). The methionine residue is weakly conserved and there is a small physicochemical difference between methionine and isoleucine. This variant is present in population databases (rs146812061, ExAC 0.009%). This variant has not been reported in the literature in individuals affected with SLC34A1-related conditions. Algorithms developed to predict the effect of missense changes on protein structure and function output the following: SIFT: "Tolerated"; PolyPhen-2: "Benign"; Align-GVGD: "Class C0". The isoleucine amino acid residue is found in multiple mammalian species, which suggests that this missense change does not adversely affect protein function.

NM_003052.5(SLC34A1):c.72G>T (p.Met24Ile)

Gene: SLC34A1 (solute carrier family 34 member 1; plus strand). Cytogenetic location: 5q35.3.
Variant type: single nucleotide variant.
Coding change: c.72G>T on transcript NM_003052.5 (MANE Select); coding-DNA position 72, G replaced by T.
Protein change: p.Met24Ile; replaces methionine 24 with isoleucine.
Molecular consequence: missense variant.
Genome position (GRCh38, 1-based): chr5:177,385,813, G>T. VCF-style: chr5-177385813-G-T. GRCh37 (hg19) VCF-style: chr5-176812814-G-T.
Other names: c.72G>T (NM_003052.4); c.72G>T, p.Met24Ile (NM_001167579.2); short protein forms M24I.
Identifiers: ClinVar variation 1450655 (VCV001450655.10), dbSNP rs146812061, ClinGen allele CA3580230.